The following is an entry in ClinVar:

ClinVar aggregate classification (germline): Conflicting classifications of pathogenicity. Review status: criteria provided, conflicting classifications (1 of 4 stars). 3 submissions from 3 submitters: Uncertain significance (2); Likely benign (1). Last evaluated 2024-11-05.

Conditions:
Hereditary cancer-predisposing syndrome. Also called: Neoplastic Syndromes, Hereditary; Hereditary Cancer Syndrome; Hereditary neoplastic syndrome; Tumor predisposition. Identifiers: Orphanet 140162, MedGen C0027672, MeSH D009386, MONDO:0015356.
Hereditary breast ovarian cancer syndrome. Also called: Hereditary breast and/or ovarian cancer syndrome; BRCA1- and BRCA2-Associated Hereditary Breast and Ovarian Cancer; Hereditary breast and ovarian cancer syndrome; Hereditary breast and ovarian cancer; Hereditary breast and ovarian cancer syndrome (HBOC); Breast and ovarian cancer. Identifiers: Orphanet 145, MedGen C0677776, MeSH D061325, MONDO:0003582. Disease mechanism: loss of function.

Submissions (3):

Ambry Genetics
Classification: Uncertain significance for Hereditary cancer-predisposing syndrome. Last evaluated: 2024-11-05. Review status: criteria provided, single submitter. Criteria: Ambry Variant Classification Scheme 2023. Collection method: clinical testing. Allele origin: germline.
Comment: The p.N1014S variant (also known as c.3041A>G), located in coding exon 10 of the BRCA2 gene, results from an A to G substitution at nucleotide position 3041. The asparagine at codon 1014 is replaced by serine, an amino acid with highly similar properties. This amino acid position is conserved. In addition, the in silico prediction for this alteration is inconclusive. Based on the available evidence, the clinical significance of this variant remains unclear.

Labcorp Genetics (formerly Invitae), Labcorp
Classification: Uncertain significance for Hereditary breast ovarian cancer syndrome. Last evaluated: 2024-04-24. Review status: criteria provided, single submitter. Criteria: Invitae Variant Classification Sherloc (09022015). Collection method: clinical testing. Allele origin: germline.
Comment: This sequence change replaces asparagine, which is neutral and polar, with serine, which is neutral and polar, at codon 1014 of the BRCA2 protein (p.Asn1014Ser). This variant is not present in population databases (gnomAD no frequency). This variant has not been reported in the literature in individuals affected with BRCA2-related conditions. ClinVar contains an entry for this variant (Variation ID: 1423648). Advanced modeling of protein sequence and biophysical properties (such as structural, functional, and spatial information, amino acid conservation, physicochemical variation, residue mobility, and thermodynamic stability) performed at Invitae indicates that this missense variant is not expected to disrupt BRCA2 protein function with a negative predictive value of 95%. In summary, the available evidence is currently insufficient to determine the role of this variant in disease. Therefore, it has been classified as a Variant of Uncertain Significance.

University of Washington Department of Laboratory Medicine, University of Washington
Classification: Likely benign for Hereditary cancer-predisposing syndrome. Last evaluated: 2023-03-23. Review status: criteria provided, single submitter. Criteria: Dines et al. (Genet Med. 2020). Collection method: curation. Allele origin: germline.
Comment: Missense variant in a coldspot region where missense variants are very unlikely to be pathogenic (PMID:31911673).

BRCA2 exon 11 coldspot. Reclassification based on statistical prior probability.

NM_000059.4(BRCA2):c.3041A>G (p.Asn1014Ser)

Gene: BRCA2 (BRCA2 DNA repair associated; plus strand). Cytogenetic location: 13q13.1.
Variant type: single nucleotide variant.
Coding change: c.3041A>G on transcript NM_000059.4 (MANE Select); coding-DNA position 3041, A replaced by G.
Protein change: p.Asn1014Ser; replaces asparagine 1014 with serine.
Molecular consequence: missense variant.
Genome position (GRCh38, 1-based): chr13:32,337,396, A>G. VCF-style: chr13-32337396-A-G. GRCh37 (hg19) VCF-style: chr13-32911533-A-G.
Other names: c.3041A>G (NM_000059.3); short protein forms N1014S.
Identifiers: ClinVar variation 1423648 (VCV001423648.10), dbSNP rs2137492474, ClinGen allele CA387774993.